The following is an entry in ClinVar:

NM_000089.4(COL1A2):c.1892G>A (p.Gly631Asp)

Gene: COL1A2 (collagen type I alpha 2 chain; plus strand). Cytogenetic location: 7q21.3.
Variant type: single nucleotide variant.
Coding change: c.1892G>A on transcript NM_000089.4 (MANE Select); coding-DNA position 1892, G replaced by A.
Protein change: p.Gly631Asp; replaces glycine 631 with aspartic acid.
Molecular consequence: missense variant.
Genome position (GRCh38, 1-based): chr7:94,417,752, G>A. VCF-style: chr7-94417752-G-A. GRCh37 (hg19) VCF-style: chr7-94047064-G-A.
Other names: c.1892G>A (NM_000089.3); short protein forms G631D.
Identifiers: ClinVar variation 1457414 (VCV001457414.9), dbSNP rs1584324507, ClinGen allele CA368222818.

ClinVar aggregate classification (germline): Pathogenic. Review status: criteria provided, multiple submitters, no conflicts (2 of 4 stars). 2 submissions from 2 submitters: Pathogenic (2). Last evaluated 2024-09-05.

Conditions:
Ehlers-Danlos syndrome, classic type, 1 (EDSCL1). Also called: EHLERS-DANLOS SYNDROME, GRAVIS TYPE; EHLERS-DANLOS SYNDROME, SEVERE CLASSIC TYPE; Ehlers-Danlos syndrome, type 1; Ehlers-Danlos Syndrome, Classic Type, COL5A1-Related; EDS I. Identifiers: MedGen C0268335, MONDO:0019567, OMIM 130000.
Osteogenesis imperfecta type I (OI1). Also called: OI, TYPE I; OSTEOGENESIS IMPERFECTA TARDA; OSTEOGENESIS IMPERFECTA WITH BLUE SCLERAE; Osteogenesis imperfecta type 1; Lobstein's Disease; Lobstein disease. Identifiers: Orphanet 216796, Orphanet 666, MedGen C0023931, MONDO:0008146, OMIM 166200. Disease mechanism: loss of function.

Submissions (2):

Labcorp Genetics (formerly Invitae), Labcorp
Classification: Pathogenic for Osteogenesis imperfecta type I; Ehlers-Danlos syndrome, classic type, 1. Last evaluated: 2024-09-05. Review status: criteria provided, single submitter. Criteria: Invitae Variant Classification Sherloc (09022015). Collection method: clinical testing. Allele origin: germline.
Comment: This sequence change replaces glycine, which is neutral and non-polar, with aspartic acid, which is acidic and polar, at codon 631 of the COL1A2 protein (p.Gly631Asp). This variant is not present in population databases (gnomAD no frequency). This missense change has been observed in individual(s) with clinical features of autosomal dominant osteogenesis imperfecta (internal data). ClinVar contains an entry for this variant (Variation ID: 1457414). Invitae Evidence Modeling of protein sequence and biophysical properties (such as structural, functional, and spatial information, amino acid conservation, physicochemical variation, residue mobility, and thermodynamic stability) indicates that this missense variant is expected to disrupt COL1A2 protein function with a positive predictive value of 95%. This variant disrupts the triple helix domain of COL1A2. Glycine residues within the Gly-Xaa-Yaa repeats of the triple helix domain are required for the structure and stability of fibrillar collagens (PMID: 7695699, 8218237, 19344236). In COL1A2, variants affecting these glycine residues are significantly enriched in individuals with disease (PMID: 9016532, 17078022) compared to the general population (ExAC). This variant disrupts the p.Gly631 amino acid residue in COL1A2. Other variant(s) that disrupt this residue have been observed in individuals with COL1A2-related conditions (PMID: 27509835), which suggests that this may be a clinically significant amino acid residue. For these reasons, this variant has been classified as Pathogenic.

GeneDx
Classification: Pathogenic. Last evaluated: 2022-12-22. Review status: criteria provided, single submitter. Criteria: GeneDx Variant Classification Process June 2021. Collection method: clinical testing. Allele origin: germline. Affected: yes.
Comment: Occurs in the triple helical domain and replaces a glycine in a canonical Gly-X-Y repeat; missense substitution of a canonical glycine residue is expected to disrupt normal protein folding and function, and this is an established mechanism of disease (Jovanovic et al., 2021) Jovanovic M et al. (2021) Endocr Rev. (PMID: 34007986); Not observed at significant frequency in large population cohorts (gnomAD); In silico analysis supports that this missense variant has a deleterious effect on protein structure/function; This variant is associated with the following publications: (PMID: 34107839)

Literature cited by the submitters: PubMed 7695699 (cited by Labcorp Genetics (formerly Invitae), Labcorp); PubMed 8218237 (cited by Labcorp Genetics (formerly Invitae), Labcorp); PubMed 19344236 (cited by Labcorp Genetics (formerly Invitae), Labcorp); PubMed 9016532 (cited by Labcorp Genetics (formerly Invitae), Labcorp); PubMed 17078022 (cited by Labcorp Genetics (formerly Invitae), Labcorp); PubMed 27509835 (cited by Labcorp Genetics (formerly Invitae), Labcorp).